The following is an entry in ClinVar:

ClinVar aggregate classification (germline): Pathogenic (0 of 4 stars; one submission).

Conditions:
11q partial monosomy syndrome (JBS). Also called: CHROMOSOME 11q DELETION SYNDROME; Jacobsen Distal 11q Deletion Syndrome. Identifiers: Orphanet 2308, MedGen C0795841, MONDO:0007838, OMIM 147791.

Submission:

UCSD Department of Pediatrics, University of California, San Diego
Classification: Pathogenic for 11q partial monosomy syndrome. Last evaluated: 2017-08-11. Review status: no assertion criteria provided. Collection method: literature only. Allele origin: de novo. Inheritance: Autosomal dominant inheritance. Affected: yes. Observed: 1 heterozygote.

Literature cited by the submitters: PubMed 25205790.

NM_001143820.2(ETS1):c.1044_1049delinsTT (p.Lys349fs)

Gene: ETS1 (ETS proto-oncogene 1, transcription factor; minus strand). Cytogenetic location: 11q24.3.
Variant type: Indel.
Coding change: c.1044_1049delinsTT on transcript NM_001143820.2 (MANE Select); coding-DNA positions 1044 to 1049, CAAGGA replaced by TT.
Protein change: p.Lys349fs; shifts the reading frame from lysine 349.
Molecular consequence: frameshift variant. On other transcripts: intron variant (1).
Genome position (GRCh38, 1-based): chr11:128,480,265-128,480,270, TCCTTG replaced by AA on the plus strand (CAAGGA replaced by TT on the coding strand, the reverse complement: ETS1 is on the minus strand). VCF-style: chr11-128480265-TCCTTG-AA. GRCh37 (hg19) VCF-style: chr11-128350160-TCCTTG-AA.
Other names: c.264_269delinsTT, p.Lys89fs (NM_001162422.2); c.912_917delinsTT, p.Lys305fs (NM_005238.4); c.730+4553_730+4558delinsTT (NM_001330451.2); short protein forms K305fs, K89fs, K349fs.
Identifiers: ClinVar variation 627517 (VCV000627517.3), dbSNP rs1565372210, ClinGen allele CA913189643.